The following is an entry in ClinVar:

NM_022835.3(PLEKHG2):c.4103A>G (p.Gln1368Arg)

Gene: PLEKHG2 (pleckstrin homology and RhoGEF domain containing G2; plus strand). Cytogenetic location: 19q13.2.
Variant type: single nucleotide variant.
Coding change: c.4103A>G on transcript NM_022835.3 (MANE Select); coding-DNA position 4103, A replaced by G.
Protein change: p.Gln1368Arg; replaces glutamine 1368 with arginine.
Molecular consequence: missense variant. On other transcripts: splice acceptor variant (2).
Genome position (GRCh38, 1-based): chr19:39,425,236, A>G. VCF-style: chr19-39425236-A-G. GRCh37 (hg19) VCF-style: chr19-39915876-A-G.
Other names: c.3573-2A>G (NM_001351693.2); c.1678-2A>G (NM_001351694.2); short protein forms Q1368R.
Identifiers: ClinVar variation 771776 (VCV000771776.43), dbSNP rs202010025, ClinGen allele CA9430138.

ClinVar aggregate classification (germline): Benign/Likely benign. Review status: criteria provided, multiple submitters, no conflicts (2 of 4 stars). 4 submissions from 4 submitters: Benign (2); Likely benign (2). Last evaluated 2026-06-01.

Allele frequency attached by ClinVar (database versions not stated): 1000 Genomes Project 0.00120; 1000 Genomes Project 30x 0.00141; ESP Exome Variant Server 0.00171; gnomAD 0.00203 and 0.00217; ExAC 0.00216; gnomAD exomes 0.00238 and 0.00239; TOPMed 0.00242.
gnomAD v4.1: 3,848 of 1,613,518 alleles (0.24%); highest among the groups gnomAD compares: Admixed American, 0.27%; 15 homozygotes.

Submissions (4):

CeGaT Center for Human Genetics Tuebingen
Classification: Likely benign. Last evaluated: 2026-06-01. Review status: criteria provided, single submitter. Criteria: CeGaT Center For Human Genetics Tuebingen Variant Classification Criteria Version 2. Collection method: clinical testing. Allele origin: germline. Affected: yes. Observed: 8 variant alleles.
Comment: PLEKHG2: BP4, BS2

Labcorp Genetics (formerly Invitae), Labcorp
Classification: Benign. Last evaluated: 2026-01-26. Review status: criteria provided, single submitter. Criteria: Invitae Variant Classification Sherloc (09022015). Collection method: clinical testing. Allele origin: germline.

Blueprint Genetics
Classification: Likely benign. Last evaluated: 2024-11-26. Review status: criteria provided, single submitter. Criteria: ACMG Guidelines, 2015. Collection method: clinical testing. Allele origin: germline.

Breakthrough Genomics
Classification: Benign. Review status: criteria provided, single submitter. Criteria: ACMG Guidelines, 2015. Collection method: not provided. Allele origin: germline. Inheritance: Autosomal recessive inheritance. Affected: yes.